The following is an entry in ClinVar:

NM_001165963.4(SCN1A):c.495T>A (p.Tyr165Ter)

Gene: SCN1A (sodium voltage-gated channel alpha subunit 1; minus strand). Cytogenetic location: 2q24.3.
Variant type: single nucleotide variant.
Coding change: c.495T>A on transcript NM_001165963.4 (MANE Select); coding-DNA position 495, T replaced by A.
Protein change: p.Tyr165Ter; replaces tyrosine 165 with a stop codon.
Molecular consequence: nonsense. On other transcripts: 5 prime UTR variant (1), non-coding transcript variant (1).
Genome position (GRCh38, 1-based): chr2:166,054,745, A>T on the plus strand (T>A on the coding strand, the complement: SCN1A is on the minus strand). VCF-style: chr2-166054745-A-T. GRCh37 (hg19) VCF-style: chr2-166911255-A-T.
Other names: c.495T>A, p.Tyr165Ter (NM_001165964.3, NM_001202435.3, NM_001353948.2 and 10 more transcripts); c.-1931T>A (NM_001353961.2); short protein forms Y165*.
Identifiers: ClinVar variation 2203205 (VCV002203205.4), dbSNP rs547496777, ClinGen allele CA349075659.
Genomic context (GRCh38, chr2:166,054,745, plus strand): 5'-GAAAGTAAAATCTTCTAAACAGAATCCCCTTGCAATAATTTTTATAAGTGATTCAAAAGT[A>T]TATATTCCTGTGAAGGTGTATCTGAAAACAAGCATCCAAAAAATTTGATAAAGTAACAGT-3'

ClinVar aggregate classification (germline): Pathogenic (1 of 4 stars; one submission).

Conditions:
Early-infantile DEE. Also called: Early infantile epileptic encephalopathy with suppression bursts; Early infantile epileptic encephalopathy; Ohtahara syndrome. Identifiers: Orphanet 1934, MedGen C0393706, MONDO:0800491.

Submission:

Labcorp Genetics (formerly Invitae), Labcorp
Classification: Pathogenic for Early-infantile DEE. Last evaluated: 2022-01-03. Review status: criteria provided, single submitter. Criteria: Invitae Variant Classification Sherloc (09022015). Collection method: clinical testing. Allele origin: germline.
Comment: For these reasons, this variant has been classified as Pathogenic. This premature translational stop signal has been observed in individual(s) with severe myoclonic epilepsy in infancy (PMID: 12821740). In at least one individual the variant was observed to be de novo. This variant is not present in population databases (gnomAD no frequency). This sequence change creates a premature translational stop signal (p.Tyr165*) in the SCN1A gene. It is expected to result in an absent or disrupted protein product. Loss-of-function variants in SCN1A are known to be pathogenic (PMID: 17347258, 18930999).

Literature cited by the submitters: PubMed 12821740; PubMed 17347258; PubMed 18930999.